The following is an entry in ClinVar:

NM_013266.4(CTNNA3):c.980G>A (p.Arg327Gln)

Gene: CTNNA3 (catenin alpha 3; minus strand). Cytogenetic location: 10q21.3.
Variant type: single nucleotide variant.
Coding change: c.980G>A on transcript NM_013266.4 (MANE Select); coding-DNA position 980, G replaced by A.
Protein change: p.Arg327Gln; replaces arginine 327 with glutamine.
Molecular consequence: missense variant.
Genome position (GRCh38, 1-based): chr10:67,180,384, C>T on the plus strand (G>A on the coding strand, the complement: CTNNA3 is on the minus strand). VCF-style: chr10-67180384-C-T. GRCh37 (hg19) VCF-style: chr10-68940142-C-T.
Other names: c.980G>A, p.Arg327Gln (NM_001127384.3); c.1016G>A, p.Arg339Gln (NM_001291133.2); c.980G>A (NM_013266.2); short protein forms R327Q, R339Q.
Identifiers: ClinVar variation 1436283 (VCV001436283.10), dbSNP rs748583513, ClinGen allele CA5520437.

ClinVar aggregate classification (germline): Uncertain significance. Review status: criteria provided, multiple submitters, no conflicts (2 of 4 stars). 2 submissions from 2 submitters: Uncertain significance (2). Last evaluated 2025-12-31.

Conditions:
Arrhythmogenic right ventricular dysplasia 13. Also called: ARRHYTHMOGENIC RIGHT VENTRICULAR CARDIOMYOPATHY 13; Arrhythmogenic right ventricular dysplasia, familial, 13. Identifiers: MedGen C3810138, MONDO:0000908, OMIM 615616.

Allele frequency attached by ClinVar (database versions not stated): ExAC 0.00001; gnomAD exomes 0.00002 and 0.00003; TOPMed 0.00003; gnomAD 0.00004 and 0.00005.
gnomAD v4.1: 41 of 1,613,764 alleles (0.0025%); highest among the groups gnomAD compares: East Asian, 0.013%; no homozygotes.

Submissions (2):

Labcorp Genetics (formerly Invitae), Labcorp
Classification: Uncertain significance for Arrhythmogenic right ventricular dysplasia 13. Last evaluated: 2025-12-31. Review status: criteria provided, single submitter. Criteria: Invitae Variant Classification Sherloc (09022015). Collection method: clinical testing. Allele origin: germline.
Comment: This sequence change replaces arginine, which is basic and polar, with glutamine, which is neutral and polar, at codon 327 of the CTNNA3 protein (p.Arg327Gln). This variant is present in population databases (rs748583513, gnomAD 0.02%). This variant has not been reported in the literature in individuals affected with CTNNA3-related conditions. ClinVar contains an entry for this variant (Variation ID: 1436283). Invitae Evidence Modeling of protein sequence and biophysical properties (such as structural, functional, and spatial information, amino acid conservation, physicochemical variation, residue mobility, and thermodynamic stability) indicates that this missense variant is not expected to disrupt CTNNA3 protein function with a negative predictive value of 80%. In summary, the available evidence is currently insufficient to determine the role of this variant in disease. Therefore, it has been classified as a Variant of Uncertain Significance.

Ambry Genetics
Classification: Uncertain significance. Last evaluated: 2025-12-01. Review status: criteria provided, single submitter. Criteria: Ambry Variant Classification Scheme 2023. Collection method: clinical testing. Allele origin: germline.
Comment: The p.R327Q variant (also known as c.980G>A), located in coding exon 6 of the CTNNA3 gene, results from a G to A substitution at nucleotide position 980. The arginine at codon 327 is replaced by glutamine, an amino acid with highly similar properties. This amino acid position is conserved. In addition, the in silico prediction for this alteration is inconclusive. Since supporting evidence is limited at this time, the clinical significance of this alteration remains unclear.